The following is an entry in ClinVar:

ClinVar aggregate classification (germline): Uncertain significance. Review status: criteria provided, multiple submitters, no conflicts (2 of 4 stars). 6 submissions from 6 submitters: Uncertain significance (5). 1 of the submissions does not count toward it. Last evaluated 2024-02-27.

Conditions:
Cardiovascular phenotype. Identifiers: MedGen CN230736.
Alstrom syndrome (ALMS). Identifiers: Orphanet 64, MedGen C0268425, MONDO:0008763, OMIM 203800.

Allele frequency attached by ClinVar (database versions not stated): ESP Exome Variant Server 0.00008; gnomAD exomes 0.00009 and 0.00010; gnomAD 0.00010 and 0.00011; TOPMed 0.00014; ExAC 0.00015.
gnomAD v4.1: 145 of 1,613,964 alleles (0.009%); highest among the groups gnomAD compares: Admixed American, 0.032%; no homozygotes.

Submissions (6):

Ambry Genetics
Classification: Uncertain significance for Cardiovascular phenotype. Last evaluated: 2024-02-27. Review status: criteria provided, single submitter. Criteria: Ambry Variant Classification Scheme 2023. Collection method: clinical testing. Allele origin: germline.
Comment: The p.R4052C variant (also known as c.12154C>T), located in coding exon 20 of the ALMS1 gene, results from a C to T substitution at nucleotide position 12154. The arginine at codon 4052 is replaced by cysteine, an amino acid with highly dissimilar properties. This amino acid position is well conserved in available vertebrate species. In addition, this alteration is predicted to be deleterious by in silico analysis. Since supporting evidence is limited at this time, the clinical significance of this alteration remains unclear.

GeneDx
Classification: Uncertain significance. Last evaluated: 2023-05-08. Review status: criteria provided, single submitter. Criteria: GeneDx Variant Classification Process June 2021. Collection method: clinical testing. Allele origin: germline. Affected: yes.
Comment: In silico analysis supports that this missense variant has a deleterious effect on protein structure/function; Has not been previously published as pathogenic or benign to our knowledge

Labcorp Genetics (formerly Invitae), Labcorp
Classification: Uncertain significance for Alstrom syndrome. Last evaluated: 2022-10-03. Review status: criteria provided, single submitter. Criteria: Invitae Variant Classification Sherloc (09022015). Collection method: clinical testing. Allele origin: germline.
Comment: This sequence change replaces arginine, which is basic and polar, with cysteine, which is neutral and slightly polar, at codon 4052 of the ALMS1 protein (p.Arg4052Cys). This variant is present in population databases (rs201874056, gnomAD 0.04%). This variant has not been reported in the literature in individuals affected with ALMS1-related conditions. ClinVar contains an entry for this variant (Variation ID: 642212). Experimental studies and prediction algorithms are not available or were not evaluated, and the functional significance of this variant is currently unknown. In summary, the available evidence is currently insufficient to determine the role of this variant in disease. Therefore, it has been classified as a Variant of Uncertain Significance.

Fulgent Genetics
Classification: Uncertain significance for Alstrom syndrome. Last evaluated: 2022-03-08. Review status: criteria provided, single submitter. Criteria: ACMG Guidelines, 2015. Collection method: clinical testing. Allele origin: unknown.

Women's Health and Genetics/Laboratory Corporation of America, LabCorp
Classification: Uncertain significance. Last evaluated: 2019-09-16. Review status: criteria provided, single submitter. Criteria: LabCorp Variant Classification Summary - May 2015. Collection method: clinical testing. Allele origin: germline.
Comment: Variant summary: ALMS1 c.12148C>T (p.Arg4050Cys, also known as c.12154C>T) results in a non-conservative amino acid change in the encoded protein sequence. Three of five in-silico tools predict a damaging effect of the variant on protein function. The variant allele was found at a frequency of 0.0001 in 250512 control chromosomes, predominantly at a frequency of 0.00043 within the Latino subpopulation in the gnomAD database. This frequency is not significantly higher than expected for a pathogenic variant in ALMS1 causing Cardiomyopathy (0.0001 vs 0.0022), allowing no conclusion about variant significance. To our knowledge, no occurrence of c.12148C>T in individuals affected with Cardiomyopathy and no experimental evidence demonstrating its impact on protein function have been reported. One clinical diagnostic laboratory has submitted clinical-significance assessments for this variant to ClinVar after 2014 without evidence for independent evaluation. One laboratory classified the variant as uncertain significance. Based on the evidence outlined above, the variant was classified as uncertain significance.

Natera, Inc.
Classification: Uncertain significance for Alstrom syndrome. Last evaluated: 2021-08-06. Review status: no assertion criteria provided. Collection method: clinical testing. Allele origin: germline. Not counted in ClinVar's aggregate classification.

NM_001378454.1(ALMS1):c.12151C>T (p.Arg4051Cys)

Genes: ALMS1 (ALMS1 centrosome and basal body associated protein; plus strand), LOC126806252 (BRD4-independent group 4 enhancer GRCh37_chr2:73828496-73829695; plus strand). Cytogenetic location: 2p13.1.
Variant type: single nucleotide variant.
Coding change: c.12151C>T on transcript NM_001378454.1 (MANE Select); coding-DNA position 12151, C replaced by T.
Protein change: p.Arg4051Cys; replaces arginine 4051 with cysteine.
Molecular consequence: missense variant.
Genome position (GRCh38, 1-based): chr2:73,602,221, C>T. VCF-style: chr2-73602221-C-T. GRCh37 (hg19) VCF-style: chr2-73829348-C-T.
Other names: c.12154C>T, p.Arg4052Cys (NM_015120.4); short protein forms R4052C, R4051C.
Identifiers: ClinVar variation 642212 (VCV000642212.16), dbSNP rs201874056, ClinGen allele CA1715466.